The following is an entry in ClinVar:

NM_002693.3(POLG):c.1909G>T (p.Gly637Cys)

Gene: POLG (DNA polymerase gamma, catalytic subunit; minus strand). Cytogenetic location: 15q26.1.
Variant type: single nucleotide variant.
Coding change: c.1909G>T on transcript NM_002693.3 (MANE Select); coding-DNA position 1909, G replaced by T.
Protein change: p.Gly637Cys; replaces glycine 637 with cysteine.
Molecular consequence: missense variant.
Genome position (GRCh38, 1-based): chr15:89,325,490, C>A on the plus strand (G>T on the coding strand, the complement: POLG is on the minus strand). VCF-style: chr15-89325490-C-A. GRCh37 (hg19) VCF-style: chr15-89868721-C-A.
Other names: c.1909G>T, p.Gly637Cys (NM_001126131.2); short protein forms G637C.
Identifiers: ClinVar variation 1413214 (VCV001413214.3), dbSNP rs2152065820, ClinGen allele CA393759062.

ClinVar aggregate classification (germline): Uncertain significance (1 of 4 stars; one submission).

Conditions:
Progressive sclerosing poliodystrophy (MTDPS4A). Also called: ALPERS PROGRESSIVE INFANTILE POLIODYSTROPHY; NEURONAL DEGENERATION OF CHILDHOOD WITH LIVER DISEASE, PROGRESSIVE; Alpers Syndrome; ALPERS DIFFUSE DEGENERATION OF CEREBRAL GRAY MATTER WITH HEPATIC CIRRHOSIS; Alpers-Huttenlocher Syndrome; Mitochondrial DNA depletion syndrome 4A (Alpers type). Identifiers: Orphanet 726, MedGen C0205710, MONDO:0008758, OMIM 203700.

Submission:

Labcorp Genetics (formerly Invitae), Labcorp
Classification: Uncertain significance for Progressive sclerosing poliodystrophy. Last evaluated: 2021-08-24. Review status: criteria provided, single submitter. Criteria: Invitae Variant Classification Sherloc (09022015). Collection method: clinical testing. Allele origin: germline.
Comment: This sequence change replaces glycine with cysteine at codon 637 of the POLG protein (p.Gly637Cys). The glycine residue is weakly conserved and there is a large physicochemical difference between glycine and cysteine. This variant is not present in population databases (ExAC no frequency). This variant has not been reported in the literature in individuals affected with POLG-related conditions. Algorithms developed to predict the effect of missense changes on protein structure and function are either unavailable or do not agree on the potential impact of this missense change (SIFT: "Tolerated"; PolyPhen-2: "Possibly Damaging"; Align-GVGD: "Class C0"). In summary, the available evidence is currently insufficient to determine the role of this variant in disease. Therefore, it has been classified as a Variant of Uncertain Significance.